The following is an entry in ClinVar:

ClinVar aggregate classification (germline): Benign. Review status: criteria provided, multiple submitters, no conflicts (2 of 4 stars). 2 submissions from 2 submitters: Benign (2). Last evaluated 2018-06-18.

Allele frequency attached by ClinVar (database versions not stated): gnomAD 0.05051 and 0.05603; TOPMed 0.06157; 1000 Genomes Project 30x 0.11571; 1000 Genomes Project 0.12141.

Submissions (2):

GeneDx
Classification: Benign. Last evaluated: 2018-06-18. Review status: criteria provided, single submitter. Criteria: GeneDx Variant Classification (06012015). Collection method: clinical testing. Allele origin: germline. Affected: yes.
Comment: This variant is considered likely benign or benign based on one or more of the following criteria: it is a conservative change, it occurs at a poorly conserved position in the protein, it is predicted to be benign by multiple in silico algorithms, and/or has population frequency not consistent with disease.

Breakthrough Genomics
Classification: Benign. Review status: criteria provided, single submitter. Criteria: ACMG Guidelines, 2015. Collection method: not provided. Allele origin: germline. Inheritance: Autosomal dominant inheritance. Affected: yes.

NM_000069.3(CACNA1S):c.4241+183G>A

Gene: CACNA1S (calcium voltage-gated channel subunit alpha1 S; minus strand). Cytogenetic location: 1q32.1.
Variant type: single nucleotide variant.
Coding change: c.4241+183G>A on transcript NM_000069.3 (MANE Select); 183 bases into the intron after coding-DNA position 4241, G replaced by A.
Molecular consequence: intron variant.
Genome position (GRCh38, 1-based): chr1:201,050,206, C>T on the plus strand (G>A on the coding strand, the complement: CACNA1S is on the minus strand). VCF-style: chr1-201050206-C-T. GRCh37 (hg19) VCF-style: chr1-201019334-C-T.
Identifiers: ClinVar variation 674462 (VCV000674462.2), dbSNP rs12065493, ClinGen allele CA36001178.
Genomic context (GRCh38, chr1:201,050,206, plus strand): 5'-GGAGTGTTCAAGCAGGAGCTGGATGACAATTTCTCAATAAAGTCAAGGGTGTTTCCACCC[C>T]GGAAAGCTGTAGGATTCCCTCCAACCTGGAGATACTCTGATTCTCTGATCTGAGACCTCA-3'